The following is an entry in ClinVar:

ClinVar aggregate classification (germline): Benign. Review status: criteria provided, single submitter (1 of 4 stars). 2 submissions from 2 submitters: Benign (1). 1 of the submissions does not count toward it. Last evaluated 2026-09-01.

Conditions:
ZFHX3-related disorder. Also called: ZFHX3-related condition.

Allele frequency attached by ClinVar (database versions not stated): 1000 Genomes Project 30x 0.00390; 1000 Genomes Project 0.00439; ESP Exome Variant Server 0.00923; ExAC 0.01112.
gnomAD v4.1: 20,047 of 1,614,010 alleles (1.2%); highest among the groups gnomAD compares: Non-Finnish European, 1.4%; 163 homozygotes.

Submissions (2):

CeGaT Center for Human Genetics Tuebingen
Classification: Benign. Last evaluated: 2026-09-01. Review status: criteria provided, single submitter. Criteria: CeGaT Center For Human Genetics Tuebingen Variant Classification Criteria Version 2. Collection method: clinical testing. Allele origin: germline. Affected: yes. Observed: 21 variant alleles.
Comment: ZFHX3: BS1, BS2

PreventionGenetics, part of Exact Sciences
Classification: Benign for ZFHX3-related condition. Last evaluated: 2019-06-06. Review status: no assertion criteria provided. Collection method: clinical testing. Allele origin: germline. Not counted in ClinVar's aggregate classification.
Comment: This variant is classified as benign based on ACMG/AMP sequence variant interpretation guidelines (Richards et al. 2015 PMID: 25741868, with internal and published modifications).

NM_006885.4(ZFHX3):c.5470C>G (p.Leu1824Val)

Genes: ZFHX3 (zinc finger homeobox 3; minus strand), ZFHX3-AS1 (ZFHX3 antisense RNA 1; plus strand). Cytogenetic location: 16q22.2.
Variant type: single nucleotide variant.
Coding change: c.5470C>G on transcript NM_006885.4 (MANE Select); coding-DNA position 5470, C replaced by G.
Protein change: p.Leu1824Val; replaces leucine 1824 with valine.
Molecular consequence: missense variant.
Genome position (GRCh38, 1-based): chr16:72,797,212, G>C on the plus strand (C>G on the coding strand, the complement: ZFHX3 is on the minus strand). VCF-style: chr16-72797212-G-C. GRCh37 (hg19) VCF-style: chr16-72831111-G-C.
Other names: c.2728C>G, p.Leu910Val (NM_001164766.2); c.5470C>G, p.Leu1824Val (NM_001386735.1); short protein forms L1824V, L910V.
Identifiers: ClinVar variation 3037476 (VCV003037476.15), dbSNP rs79037957, ClinGen allele CA8163592.